The following is an entry in ClinVar:

NM_001244710.2(GFPT1):c.223+6G>A

Gene: GFPT1 (glutamine--fructose-6-phosphate transaminase 1; minus strand). Cytogenetic location: 2p13.3.
Variant type: single nucleotide variant.
Coding change: c.223+6G>A on transcript NM_001244710.2 (MANE Select); 6 bases into the intron after coding-DNA position 223, G replaced by A.
Molecular consequence: intron variant.
Genome position (GRCh38, 1-based): chr2:69,369,995, C>T on the plus strand (G>A on the coding strand, the complement: GFPT1 is on the minus strand). VCF-style: chr2-69369995-C-T. GRCh37 (hg19) VCF-style: chr2-69597127-C-T.
Other names: c.223+6G>A (NM_002056.4).
Identifiers: ClinVar variation 1684768 (VCV001684768.5), dbSNP rs1295165260, ClinGen allele CA533200501.

ClinVar aggregate classification (germline): Uncertain significance. Review status: criteria provided, multiple submitters, no conflicts (2 of 4 stars). 2 submissions from 2 submitters: Uncertain significance (2). Last evaluated 2022-05-04.

Conditions:
Congenital myasthenic syndrome 12 (CMS12). Also called: MYASTHENIC SYNDROME, CONGENITAL, WITH TUBULAR AGGREGATES 1; Myasthenia, congenital, 12, with tubular aggregates. Identifiers: Orphanet 353327, Orphanet 590, MedGen C3552335, MONDO:0012518, OMIM 610542.

Allele frequency attached by ClinVar (database versions not stated): gnomAD exomes below 0.00001 and 0.00001; TOPMed below 0.00001.

Submissions (2):

Mendelics
Classification: Uncertain significance. Last evaluated: 2022-05-04. Review status: criteria provided, single submitter. Criteria: Mendelics Assertion Criteria 2019. Collection method: clinical testing. Allele origin: germline.

Labcorp Genetics (formerly Invitae), Labcorp
Classification: Uncertain significance for Congenital myasthenic syndrome 12. Last evaluated: 2022-04-16. Review status: criteria provided, single submitter. Criteria: Invitae Variant Classification Sherloc (09022015). Collection method: clinical testing. Allele origin: germline.
Comment: In summary, the available evidence is currently insufficient to determine the role of this variant in disease. Therefore, it has been classified as a Variant of Uncertain Significance. Variants that disrupt the consensus splice site are a relatively common cause of aberrant splicing (PMID: 17576681, 9536098). Algorithms developed to predict the effect of sequence changes on RNA splicing suggest that this variant may disrupt the consensus splice site. This variant has not been reported in the literature in individuals affected with GFPT1-related conditions. This variant is present in population databases (no rsID available, gnomAD 0.0009%). This sequence change falls in intron 3 of the GFPT1 gene. It does not directly change the encoded amino acid sequence of the GFPT1 protein. It affects a nucleotide within the consensus splice site.

Literature cited by the submitters: PubMed 17576681 (cited by Labcorp Genetics (formerly Invitae), Labcorp); PubMed 9536098 (cited by Labcorp Genetics (formerly Invitae), Labcorp).